The following is an entry in ClinVar:

NM_005026.5(PIK3CD):c.1048G>A (p.Gly350Ser)

Genes: PIK3CD (phosphatidylinositol-4,5-bisphosphate 3-kinase catalytic subunit delta; plus strand), LOC126805612 (MED14-independent group 3 enhancer GRCh37_chr1:9778914-9780113; plus strand). Cytogenetic location: 1p36.22.
Variant type: single nucleotide variant.
Coding change: c.1048G>A on transcript NM_005026.5 (MANE Select); coding-DNA position 1048, G replaced by A.
Protein change: p.Gly350Ser; replaces glycine 350 with serine.
Molecular consequence: missense variant.
Genome position (GRCh38, 1-based): chr1:9,718,721, G>A. VCF-style: chr1-9718721-G-A. GRCh37 (hg19) VCF-style: chr1-9778779-G-A.
Other names: c.1048G>A, p.Gly350Ser (NM_001350234.2); c.961G>A, p.Gly321Ser (NM_001350235.1); short protein forms G350S, G321S.
Identifiers: ClinVar variation 2722418 (VCV002722418.3), dbSNP rs747930872, ClinGen allele CA577081.
Genomic context (GRCh38, chr1:9,718,721, plus strand): 5'-CCTCCTCACCCATCATCCCGGCACCTTCTACAGCTGGTGGTGCAGGCCGGGCTTTTCCAC[G>A]GCAACGAGATGCTGTGCAAGACGGTGTCCAGCTCGGAGGTGAGCGTGTGCTCGGAGCCCG-3'
Protein context (NP_005017.3, residues 340-360): KLVVQAGLFH[Gly350Ser]NEMLCKTVSS

ClinVar aggregate classification (germline): Uncertain significance (1 of 4 stars; one submission).

Conditions:
Immunodeficiency 14 (IMD14A). Also called: p110-DELTA-ACTIVATING MUTATION CAUSING SENESCENT T CELLS, LYMPHADENOPATHY, AND IMMUNODEFICIENCY; IMMUNODEFICIENCY 14A WITH LYMPHOPROLIFERATION, AUTOSOMAL DOMINANT; ACTIVATED PI3K-DELTA SYNDROME 1; Activated PI3K Delta Syndrome Type 1 (APDS1). Identifiers: Orphanet 397596, Orphanet 693661, MedGen C5907821, MONDO:0014222, OMIM 615513.

Allele frequency attached by ClinVar (database versions not stated): TOPMed 0.00001; gnomAD exomes 0.00002; ExAC 0.00001; gnomAD 0.00001.
gnomAD v4.1: 31 of 1,606,208 alleles (0.0019%); highest among the groups gnomAD compares: Non-Finnish European, 0.0024%; no homozygotes.

Submission:

Labcorp Genetics (formerly Invitae), Labcorp
Classification: Uncertain significance for Activated PI3K-delta syndrome. Last evaluated: 2025-12-17. Review status: criteria provided, single submitter. Criteria: Invitae Variant Classification Sherloc (09022015). Collection method: clinical testing. Allele origin: germline.
Comment: This sequence change replaces glycine, which is neutral and non-polar, with serine, which is neutral and polar, at codon 350 of the PIK3CD protein (p.Gly350Ser). This variant is present in population databases (rs747930872, gnomAD 0.002%). This variant has not been reported in the literature in individuals affected with PIK3CD-related conditions. ClinVar contains an entry for this variant (Variation ID: 2722418). Invitae Evidence Modeling of protein sequence and biophysical properties (such as structural, functional, and spatial information, amino acid conservation, physicochemical variation, residue mobility, and thermodynamic stability) indicates that this missense variant is expected to disrupt PIK3CD protein function with a positive predictive value of 80%. Algorithms developed to predict the effect of sequence changes on RNA splicing suggest that this variant may create or strengthen a splice site. In summary, the available evidence is currently insufficient to determine the role of this variant in disease. Therefore, it has been classified as a Variant of Uncertain Significance.